The following is an entry in ClinVar:

ClinVar aggregate classification (germline): Conflicting classifications of pathogenicity. Review status: criteria provided, conflicting classifications (1 of 4 stars). 5 submissions from 5 submitters: Likely pathogenic (1); Uncertain significance (2); Benign (1); Likely benign (1). Last evaluated 2026-06-16.

Conditions:
Ehlers-Danlos syndrome, classic type, 1 (EDSCL1). Also called: EHLERS-DANLOS SYNDROME, GRAVIS TYPE; EHLERS-DANLOS SYNDROME, SEVERE CLASSIC TYPE; Ehlers-Danlos Syndrome, Classic Type, COL5A1-Related; EDS I; Ehlers-Danlos syndrome, type 1. Identifiers: MedGen C0268335, MONDO:0019567, OMIM 130000.
COL5A2-related disorder. Also called: COL5A2-related condition.
Familial thoracic aortic aneurysm and aortic dissection (TAAD). Also called: Thoracic aortic aneurysms and dissections. Identifiers: Orphanet 91387, MedGen C4707243, MONDO:0019625.

Allele frequency attached by ClinVar (database versions not stated): gnomAD 0.00001; gnomAD exomes 0.00002 and 0.00005; ExAC 0.00003; TOPMed 0.00003; ESP Exome Variant Server 0.00008.
gnomAD v4.1: 79 of 1,613,568 alleles (0.0049%); highest among the groups gnomAD compares: Middle Eastern, 0.016%; no homozygotes.

Submissions (6):

Ambry Genetics
Classification: Benign for Familial thoracic aortic aneurysm and aortic dissection. Last evaluated: 2026-06-16. Review status: criteria provided, single submitter. Criteria: Ambry Variant Classification Scheme 2023. Collection method: clinical testing. Allele origin: germline.

Labcorp Genetics (formerly Invitae), Labcorp
Classification: Likely pathogenic for Ehlers-Danlos syndrome, classic type, 1. Last evaluated: 2026-01-26. Review status: criteria provided, single submitter. Criteria: Invitae Variant Classification Sherloc (09022015). Collection method: clinical testing. Allele origin: germline.
Comment: This sequence change affects codon 434 of the COL5A2 mRNA. It is a 'silent' change, meaning that it does not change the encoded amino acid sequence of the COL5A2 protein. This variant also falls at the last nucleotide of exon 20, which is part of the consensus splice site for this exon. This variant is present in population databases (rs376170776, gnomAD 0.004%). This variant has been observed in individual(s) with clinical features of COL5A2-related conditions (internal data). ClinVar contains an entry for this variant (Variation ID: 580367). Variants that disrupt the consensus splice site are a relatively common cause of aberrant splicing (PMID: 17576681, 9536098). Algorithms developed to predict the effect of sequence changes on RNA splicing suggest that this variant is not likely to affect RNA splicing. In summary, the currently available evidence indicates that the variant is pathogenic, but additional data are needed to prove that conclusively. Therefore, this variant has been classified as Likely Pathogenic.

PreventionGenetics, part of Exact Sciences
Classification: Uncertain significance for COL5A2-related condition. Last evaluated: 2026-01-15. Review status: criteria provided, single submitter. Criteria: ACMG Guidelines, 2015. Collection method: clinical testing. Allele origin: germline.
Comment: The COL5A2 c.1302G>A variant is not predicted to result in an amino acid change (p.=). This variant occurs at the last nucleotide of exon 20 and has conflicting splicing prediction (Alamut Visual v2.11; SpliceAI, Jaganathan K. et al. 2019. PubMed ID: 30661751), although in silico splicing predictions are not equivalent to functional evidence. To our knowledge, this variant has not been reported in the literature. This variant is reported in 0.0035% of alleles in individuals of European (Non-Finnish) descent in gnomAD, but has been seen in 79 alleles in the most recent version of the gnomad database (v4). At this time, the clinical significance of this variant is uncertain due to the absence of conclusive functional and genetic evidence.

Women's Health and Genetics/Laboratory Corporation of America, LabCorp
Classification: Uncertain significance. Last evaluated: 2025-05-23. Review status: criteria provided, single submitter. Criteria: LabCorp Variant Classification Summary - May 2015. Collection method: clinical testing. Allele origin: germline.
Comment: Variant summary: COL5A2 c.1302G>A (p.Thr434Thr) alters a conserved nucleotide located close to a canonical splice site and therefore could affect mRNA splicing, leading to a significantly altered protein sequence. Several computational tools predict a significant impact on normal splicing: Three predict the variant abolishes a 5' splicing donor site. However, these predictions have yet to be confirmed by functional studies. The variant allele was found at a frequency of 1.6e-05 in 251216 control chromosomes (gnomAD). The available data on variant occurrences in the general population are insufficient to allow any conclusion about variant significance. c.1302G>A has been observed in at least an individual affected with clinical features of COL5A2-related conditions (Internal data). These data do not allow any conclusion about variant significance. To our knowledge, no experimental evidence demonstrating an impact on protein function has been reported. ClinVar contains an entry for this variant (Variation ID: 580367). Based on the evidence outlined above, the variant was classified as uncertain significance.

GeneDx
Classification: Likely benign. Last evaluated: 2018-08-24. Review status: criteria provided, single submitter. Criteria: GeneDx Variant Classification Process June 2021. Collection method: clinical testing. Allele origin: germline. Affected: yes.

Dr. Peter K. Rogan Lab, Western University
No classification provided (evidence only). Condition: Squamous cell lung carcinoma. Review status: no classification provided. Collection method: in vitro. Allele origin: not applicable. Functional consequence: retained intron. Not counted in ClinVar's aggregate classification.

Literature cited by the submitters: PubMed 17576681 (cited by Labcorp Genetics (formerly Invitae), Labcorp); PubMed 9536098 (cited by Labcorp Genetics (formerly Invitae), Labcorp).

NM_000393.5(COL5A2):c.1302G>A (p.Thr434=)

Gene: COL5A2 (collagen type V alpha 2 chain; minus strand). Cytogenetic location: 2q32.2.
Variant type: single nucleotide variant.
Coding change: c.1302G>A on transcript NM_000393.5 (MANE Select); coding-DNA position 1302, G replaced by A.
Protein change: p.Thr434=; no amino-acid change (threonine 434 retained).
Molecular consequence: synonymous variant.
Genome position (GRCh38, 1-based): chr2:189,068,226, C>T on the plus strand (G>A on the coding strand, the complement: COL5A2 is on the minus strand). VCF-style: chr2-189068226-C-T. GRCh37 (hg19) VCF-style: chr2-189932952-C-T.
Other names: c.1302G>A (NM_000393.4).
Identifiers: ClinVar variation 580367 (VCV000580367.17), dbSNP rs376170776, ClinGen allele CA2022763.